The following is an entry in ClinVar:

NM_006231.4(POLE):c.1228T>C (p.Trp410Arg)

Gene: POLE (DNA polymerase epsilon, catalytic subunit; minus strand). Cytogenetic location: 12q24.33.
Variant type: single nucleotide variant.
Coding change: c.1228T>C on transcript NM_006231.4 (MANE Select); coding-DNA position 1228, T replaced by C.
Protein change: p.Trp410Arg; replaces tryptophan 410 with arginine.
Molecular consequence: missense variant.
Genome position (GRCh38, 1-based): chr12:132,673,706, A>G on the plus strand (T>C on the coding strand, the complement: POLE is on the minus strand). VCF-style: chr12-132673706-A-G. GRCh37 (hg19) VCF-style: chr12-133250292-A-G.
Other names: short protein forms W410R.
Identifiers: ClinVar variation 658594 (VCV000658594.8), dbSNP rs1593073483, ClinGen allele CA387359784.

ClinVar aggregate classification (germline): Uncertain significance (1 of 4 stars; one submission).

Submission:

Labcorp Genetics (formerly Invitae), Labcorp
Classification: Uncertain significance. Last evaluated: 2018-07-23. Review status: criteria provided, single submitter. Criteria: Invitae Variant Classification Sherloc (09022015). Collection method: clinical testing. Allele origin: germline.
Comment: This sequence change replaces tryptophan with arginine at codon 410 of the POLE protein (p.Trp410Arg). The tryptophan residue is highly conserved and there is a moderate physicochemical difference between tryptophan and arginine. This variant is not present in population databases (ExAC no frequency). This variant has not been reported in the literature in individuals with POLE-related disease. Algorithms developed to predict the effect of missense changes on protein structure and function are either unavailable or do not agree on the potential impact of this missense change (SIFT: "Deleterious"; PolyPhen-2: "Probably Damaging"; Align-GVGD: "Class C0"). In summary, the available evidence is currently insufficient to determine the role of this variant in disease. Therefore, it has been classified as a Variant of Uncertain Significance.